The following is an entry in ClinVar:

NM_015693.4(INTU):c.1844T>A (p.Ile615Asn)

Gene: INTU (inturned planar cell polarity protein; plus strand). Cytogenetic location: 4q28.1.
Variant type: single nucleotide variant.
Coding change: c.1844T>A on transcript NM_015693.4 (MANE Select); coding-DNA position 1844, T replaced by A.
Protein change: p.Ile615Asn; replaces isoleucine 615 with asparagine.
Molecular consequence: missense variant.
Genome position (GRCh38, 1-based): chr4:127,706,542, T>A. VCF-style: chr4-127706542-T-A. GRCh37 (hg19) VCF-style: chr4-128627697-T-A.
Other names: short protein forms I615N.
Identifiers: ClinVar variation 2052207 (VCV002052207.4), dbSNP rs142618883, ClinGen allele CA3075206.

ClinVar aggregate classification (germline): Uncertain significance (1 of 4 stars; one submission).

Allele frequency attached by ClinVar (database versions not stated): ExAC 0.00007; ESP Exome Variant Server 0.00008.
gnomAD v4.1: 172 of 1,613,858 alleles (0.011%); highest among the groups gnomAD compares: Middle Eastern, 0.066%; no homozygotes.

Submission:

Labcorp Genetics (formerly Invitae), Labcorp
Classification: Uncertain significance. Last evaluated: 2026-01-06. Review status: criteria provided, single submitter. Criteria: Invitae Variant Classification Sherloc (09022015). Collection method: clinical testing. Allele origin: germline.
Comment: This sequence change replaces isoleucine, which is neutral and non-polar, with asparagine, which is neutral and polar, at codon 615 of the INTU protein (p.Ile615Asn). This variant is present in population databases (rs142618883, gnomAD 0.08%), and has an allele count higher than expected for a pathogenic variant. This variant has not been reported in the literature in individuals affected with INTU-related conditions. ClinVar contains an entry for this variant (Variation ID: 2052207). Invitae Evidence Modeling of protein sequence and biophysical properties (such as structural, functional, and spatial information, amino acid conservation, physicochemical variation, residue mobility, and thermodynamic stability) indicates that this missense variant is not expected to disrupt INTU protein function with a negative predictive value of 80%. In summary, the available evidence is currently insufficient to determine the role of this variant in disease. Therefore, it has been classified as a Variant of Uncertain Significance.